The following is an entry in ClinVar:

NM_005051.3(QARS1):c.1160T>G (p.Phe387Cys)

Gene: QARS1 (glutaminyl-tRNA synthetase 1; minus strand). Cytogenetic location: 3p21.31.
Variant type: single nucleotide variant.
Coding change: c.1160T>G on transcript NM_005051.3 (MANE Select); coding-DNA position 1160, T replaced by G.
Protein change: p.Phe387Cys; replaces phenylalanine 387 with cysteine.
Molecular consequence: missense variant. On other transcripts: non-coding transcript variant (1).
Genome position (GRCh38, 1-based): chr3:49,100,194, A>C on the plus strand (T>G on the coding strand, the complement: QARS1 is on the minus strand). VCF-style: chr3-49100194-A-C. GRCh37 (hg19) VCF-style: chr3-49137627-A-C.
Other names: c.1127T>G, p.Phe376Cys (NM_001272073.2); short protein forms F387C, F376C.
Identifiers: ClinVar variation 409246 (VCV000409246.49), dbSNP rs899079673, ClinGen allele CA16611312.

ClinVar aggregate classification (germline): Uncertain significance. Review status: criteria provided, multiple submitters, no conflicts (2 of 4 stars). 3 submissions from 3 submitters: Uncertain significance (3). Last evaluated 2025-01-20.

Conditions:
Inborn genetic diseases. Identifiers: MedGen C0950123, MeSH D030342.
Diffuse cerebral and cerebellar atrophy - intractable seizures - progressive microcephaly syndrome. Also called: Microcephaly, progressive, with seizures and cerebral and cerebellar atrophy. Identifiers: Orphanet 404437, MedGen C4014239, MONDO:0014335, OMIM 615760.

Allele frequency attached by ClinVar (database versions not stated): gnomAD 0.00001 and 0.00002; TOPMed 0.00002.
gnomAD v4.1: 53 of 1,614,064 alleles (0.0033%); highest among the groups gnomAD compares: Non-Finnish European, 0.0044%; no homozygotes.

Submissions (3):

Ambry Genetics
Classification: Uncertain significance for Inborn genetic diseases. Last evaluated: 2025-01-20. Review status: criteria provided, single submitter. Criteria: Ambry Variant Classification Scheme 2023. Collection method: clinical testing. Allele origin: germline.

Labcorp Genetics (formerly Invitae), Labcorp
Classification: Uncertain significance for Diffuse cerebral and cerebellar atrophy - intractable seizures - progressive microcephaly syndrome. Last evaluated: 2022-08-10. Review status: criteria provided, single submitter. Criteria: Invitae Variant Classification Sherloc (09022015). Collection method: clinical testing. Allele origin: germline.
Comment: In summary, the available evidence is currently insufficient to determine the role of this variant in disease. Therefore, it has been classified as a Variant of Uncertain Significance. Algorithms developed to predict the effect of sequence changes on RNA splicing suggest that this variant may create or strengthen a splice site. Algorithms developed to predict the effect of missense changes on protein structure and function (SIFT, PolyPhen-2, Align-GVGD) all suggest that this variant is likely to be disruptive. ClinVar contains an entry for this variant (Variation ID: 409246). This variant has not been reported in the literature in individuals affected with QARS-related conditions. This variant is present in population databases (no rsID available, gnomAD 0.003%). This sequence change replaces phenylalanine, which is neutral and non-polar, with cysteine, which is neutral and slightly polar, at codon 387 of the QARS protein (p.Phe387Cys).

CeGaT Center for Human Genetics Tuebingen
Classification: Uncertain significance. Last evaluated: 2016-09-01. Review status: criteria provided, single submitter. Criteria: CeGaT Center For Human Genetics Tuebingen Variant Classification Criteria Version 2. Collection method: clinical testing. Allele origin: germline. Affected: yes. Observed: 1 variant allele.